The following is an entry in ClinVar:

NM_001042351.2(G6PD):c.-111A>G

Genes: G6PD (glucose-6-phosphate dehydrogenase; minus strand), IKBKG (inhibitor of nuclear factor kappa B kinase regulatory subunit gamma; plus strand), LOC107181288 (origin of replication in promoter of G6PD; plus strand). Cytogenetic location: Xq28.
Variant type: single nucleotide variant.
Coding change: c.-111A>G on transcript NM_001042351.2; 111 bases upstream of the start codon, A replaced by G.
Molecular consequence: intron variant (on NM_001377312.1).
Genome position (GRCh38, 1-based): chrX:154,547,570, T>C on the plus strand (A>G on the coding strand, the complement: G6PD is on the minus strand). VCF-style: chrX-154547570-T-C. GRCh37 (hg19) VCF-style: chrX-153775785-T-C.
Other names: c.-15-4418T>C (NM_001377312.1, NM_001377313.1, NM_001321396.3); c.190-4418T>C (NM_001099856.6).
Identifiers: ClinVar variation 368104 (VCV000368104.9), dbSNP rs111827785, ClinGen allele CA10646066.

ClinVar aggregate classification (germline): Benign (1 of 4 stars; one submission).

Conditions:
Anemia, nonspherocytic hemolytic, due to G6PD deficiency (CNSHA1). Also called: Hemolytic anemia due to G6PD deficiency; Class I glucose-6-phosphate dehydrogenase deficiency; Favism, susceptibility to; ANEMIA, CONGENITAL, NONSPHEROCYTIC HEMOLYTIC, 1. Identifiers: Orphanet 466026, MedGen C2720289, MONDO:0010480, OMIM 300908.

Allele frequency attached by ClinVar (database versions not stated): gnomAD 0.13502 and 0.14433; 1000 Genomes Project 30x 0.14776; TOPMed 0.15271; gnomAD exomes 0.01052; 1000 Genomes Project 0.13854.
gnomAD v4.1: 22,142 of 753,572 alleles (2.9%); highest among the groups gnomAD compares: African/African-American, 47%; 3,613 homozygotes.

Submission:

Dunham Lab, University of Washington
Classification: Benign for Anemia, nonspherocytic hemolytic, due to G6PD deficiency. Last evaluated: 2022-08-12. Review status: criteria provided, single submitter. Criteria: ACMG Guidelines, 2015. Collection method: curation. Allele origin: unknown.
Comment: Variant found at a frequency of over 12% in gnomAD (BA1).